The following is an entry in ClinVar:

NM_000350.3(ABCA4):c.2654G>A (p.Gly885Glu)

Gene: ABCA4 (ATP binding cassette subfamily A member 4; minus strand). Cytogenetic location: 1p22.1.
Variant type: single nucleotide variant.
Coding change: c.2654G>A on transcript NM_000350.3 (MANE Select); coding-DNA position 2654, G replaced by A.
Protein change: p.Gly885Glu; replaces glycine 885 with glutamic acid.
Molecular consequence: missense variant.
Genome position (GRCh38, 1-based): chr1:94,048,957, C>T on the plus strand (G>A on the coding strand, the complement: ABCA4 is on the minus strand). VCF-style: chr1-94048957-C-T. GRCh37 (hg19) VCF-style: chr1-94514513-C-T.
Other names: c.2432G>A, p.Gly811Glu (NM_001425324.1); short protein forms G811E, G885E.
Identifiers: ClinVar variation 4537316 (VCV004537316.2).
Genomic context (GRCh38, chr1:94,048,957, plus strand): 5'-TCCGTTTCCTCTGTTAGGGGCTCGGTCTTTTCCAGGGCTCTTTCTTCTCTGGTTGAACAC[C>T]CTGCACCAATCAGAAGCCAGTGTTACTCTACCACCGGGAGCTGAGAACGAGCAAAGGCAG-3'
Protein context (NP_000341.2, residues 875-895): LQESYWLGGE[Gly885Glu]CSTREERALE

ClinVar aggregate classification (germline): Uncertain significance. Review status: criteria provided, multiple submitters, no conflicts (2 of 4 stars). 2 submissions from 2 submitters: Uncertain significance (2). Last evaluated 2025-11-19.

gnomAD v4.1: 3 of 1,613,882 alleles (0.00019%); highest among the groups gnomAD compares: African/African-American, 0.0027%; no homozygotes.

Submissions (2):

Women's Health and Genetics/Laboratory Corporation of America, LabCorp
Classification: Uncertain significance. Last evaluated: 2025-11-19. Review status: criteria provided, single submitter. Criteria: LabCorp Variant Classification Summary - May 2015. Collection method: clinical testing. Allele origin: germline.
Comment: Variant summary: ABCA4 c.2654G>A (p.Gly885Glu) results in a non-conservative amino acid change in the encoded protein sequence. Algorithms developed to predict the effect of missense changes on protein structure and function are either unavailable or do not agree on the potential impact of this missense change. Consensus agreement among computation tools predict no significant impact on normal splicing. However, these predictions have yet to be confirmed by functional studies. The variant was absent in 251354 control chromosomes. The available data on variant occurrences in the general population are insufficient to allow any conclusion about variant significance. c.2654G>A has been observed in individual(s) affected with Stargardt disease and Retinal disease (Downes_2012, Lin_2024). These report(s) do not provide unequivocal conclusions about association of the variant with Retinitis Pigmentosa. To our knowledge, no experimental evidence demonstrating an impact on protein function has been reported. The following publications have been ascertained in the context of this evaluation (PMID: 23143460, 38219857). No submitters have cited clinical-significance assessments for this variant to ClinVar. Based on the evidence outlined above, the variant was classified as uncertain significance.

Blueprint Genetics
Classification: Uncertain significance. Last evaluated: 2020-11-27. Review status: criteria provided, single submitter. Criteria: ACMG Guidelines, 2015. Collection method: clinical testing. Allele origin: germline.

Literature cited by the submitters: PubMed 38219857 (cited by Women's Health and Genetics/Laboratory Corporation of America, LabCorp); PubMed 23143460 (cited by Women's Health and Genetics/Laboratory Corporation of America, LabCorp).